The following is an entry in ClinVar:

NC_000013.10:g.(101748032_101753134)_(101753240_101755522)del

Gene: NALCN (sodium leak channel, non-selective; minus strand). Cytogenetic location: 13q33.1.
Variant type: Deletion.
Identifiers: ClinVar variation 4688929 (VCV004688929.1).

ClinVar aggregate classification (germline): Uncertain significance (1 of 4 stars; one submission).

Submission:

Women's Health and Genetics/Laboratory Corporation of America, LabCorp
Classification: Uncertain significance. Last evaluated: 2025-12-22. Review status: criteria provided, single submitter. Criteria: LabCorp Variant Classification Summary - May 2015. Collection method: clinical testing. Allele origin: germline.
Comment: Variant summary: The variant involves the deletion of exon 27 in the NALCN gene. A presumed nomenclature of c.(3057+1_3058-1)_(3162+1_3163-1)del has been designated for the purposes of this classification. This Copy Number Variant (CNV) is predicted to result in an in-frame deletion within this gene. Loss-of-function variants in this gene are known to be pathogenic. The variant was absent in 21550 control chromosomes. The available data on variant occurrences in the general population are insufficient to allow any conclusion about variant significance. A similar copy number variant has been observed in at least 2 individual(s) affected with epilepsy, without strong evidence for causality (example, Nguyen_2023, Li_2023). These report(s) do not provide unequivocal conclusions about association of the variant with NALCN-related conditions. To our knowledge, no experimental evidence demonstrating an impact on protein function has been reported. The following publications have been ascertained in the context of this evaluation (PMID: 37046053, 35478072). No submitters have cited clinical-significance assessments for this variant to ClinVar. Based on the evidence outlined above, the variant was classified as uncertain significance.

Literature cited by the submitters: PubMed 35478072; PubMed 37046053.